The following is an entry in ClinVar:

NM_020818.5(UNC79):c.-351+1G>T

Gene: UNC79 (unc-79 subunit of NALCN channel complex; plus strand). Cytogenetic location: 14q32.12.
Variant type: single nucleotide variant.
Coding change: c.-351+1G>T on transcript NM_020818.5; the canonical splice donor site of the intron after 351 bases upstream of the start codon, G replaced by T.
Molecular consequence: splice donor variant. On other transcripts: non-coding transcript variant (1).
Genome position (GRCh38, 1-based): chr14:93,333,524, G>T. VCF-style: chr14-93333524-G-T. GRCh37 (hg19) VCF-style: chr14-93799870-G-T.
Identifiers: ClinVar variation 4813250 (VCV004813250.1).

ClinVar aggregate classification (germline): Uncertain significance (1 of 4 stars; one submission).

Submission:

GeneDx
Classification: Uncertain significance. Last evaluated: 2025-09-04. Review status: criteria provided, single submitter. Criteria: GeneDx Variant Classification Process June 2021. Collection method: clinical testing. Allele origin: germline. Affected: yes.
Comment: In silico analysis supports a deleterious effect on splicing; Located in a regulatory region; in the absence of functional studies, the actual effect of this sequence change is unknown; No data available from control populations to assess the frequency of this variant; Has not been previously published as pathogenic or benign to our knowledge